The following is an entry in ClinVar:

ClinVar aggregate classification (germline): Uncertain significance (1 of 4 stars; one submission).

Submission:

GeneDx
Classification: Uncertain significance. Last evaluated: 2024-03-20. Review status: criteria provided, single submitter. Criteria: GeneDx Variant Classification Process June 2021. Collection method: clinical testing. Allele origin: germline. Affected: yes.
Comment: Not observed at significant frequency in large population cohorts (gnomAD); In silico analysis supports that this missense variant has a deleterious effect on protein structure/function; Has not been previously published as pathogenic or benign to our knowledge

NM_004818.3(DDX23):c.245A>C (p.Glu82Ala)

Gene: DDX23 (DEAD-box helicase 23; minus strand). Cytogenetic location: 12q13.12.
Variant type: single nucleotide variant.
Coding change: c.245A>C on transcript NM_004818.3 (MANE Select); coding-DNA position 245, A replaced by C.
Protein change: p.Glu82Ala; replaces glutamic acid 82 with alanine.
Molecular consequence: missense variant.
Genome position (GRCh38, 1-based): chr12:48,844,015, T>G on the plus strand (A>C on the coding strand, the complement: DDX23 is on the minus strand). VCF-style: chr12-48844015-T-G. GRCh37 (hg19) VCF-style: chr12-49237798-T-G.
Other names: short protein forms E82A.
Identifiers: ClinVar variation 3371307 (VCV003371307.1).
Genomic context (GRCh38, chr12:48,844,015, plus strand): 5'-TCCTTGTCCCGTCTGTGCCCATCCTTGTCTCGATCTCGGTCCTTCTTATTCCGATCCCGC[T>G]CCTTATCTCGTTCTCGTTCTTTGTGCCGTCGTTCTCTGGAAGACCGCAAATTTAAGAGTT-3'
Protein context (NP_004809.2, residues 72-92): RRHKERERDK[Glu82Ala]RDRNKKDRDR